The following is an entry in ClinVar:

ClinVar aggregate classification (germline): Pathogenic (1 of 4 stars; one submission).

Conditions:
Episodic kinesigenic dyskinesia (EKD). Also called: Paroxysmal kinesigenic dyskinesia. Identifiers: Orphanet 98809, MedGen C1868682, MONDO:0044202.

Submission:

Labcorp Genetics (formerly Invitae), Labcorp
Classification: Pathogenic for Episodic kinesigenic dyskinesia. Last evaluated: 2019-05-12. Review status: criteria provided, single submitter. Criteria: Invitae Variant Classification Sherloc (09022015). Collection method: clinical testing. Allele origin: germline.
Comment: For these reasons, this variant has been classified as Pathogenic. Loss-of-function variants in PRRT2 are known to be pathogenic (PMID: 22623405, 22744660). This variant has not been reported in the literature in individuals with PRRT2-related conditions. This variant is not present in population databases (ExAC no frequency). This sequence change creates a premature translational stop signal (p.Gln221Cysfs*11) in the PRRT2 gene. It is expected to result in an absent or disrupted protein product.

Literature cited by the submitters: PubMed 22623405; PubMed 22744660.

NM_145239.3(PRRT2):c.653_660dup (p.Gln221fs)

Genes: MVP-DT (MVP divergent transcript; minus strand), PRRT2 (proline rich transmembrane protein 2; plus strand). Cytogenetic location: 16p11.2.
Variant type: Duplication.
Coding change: c.653_660dup on transcript NM_145239.3 (MANE Select); coding-DNA positions 653 to 660, 8 bases duplicated (TGCTGCAG; older notation c.653_660dupTGCTGCAG).
Protein change: p.Gln221fs; shifts the reading frame from glutamine 221.
Molecular consequence: frameshift variant.
Genome position (GRCh38, 1-based): chr16:29,813,707-29,813,714, TGCTGCAG duplicated; duplicating any 8 consecutive bases within chr16:29,813,705-29,813,714 gives the same sequence; the c. name uses the placement nearest the transcript's 3' end. VCF-style (leftmost placement, unchanged base first): chr16-29813704-G-GAGTGCTGC. GRCh37 (hg19) VCF-style: chr16-29825025-G-GAGTGCTGC.
Other names: c.653_660dup, p.Gln221fs (NM_001256442.2, NM_001256443.2); short protein forms Q221fs.
Identifiers: ClinVar variation 944849 (VCV000944849.8), dbSNP rs1900100925, ClinGen allele CA1139664644.
Genomic context (GRCh38, chr16:29,813,704, plus strand): 5'-CCCCTGAGCCTCACTCACCACCCTCAAAAAAATCCCCCCCAGCCAATGGGGCCCCCCCCC[G>GAGTGCTGC]AGTGCTGCAGCAGCTGGTTGAGGAGGATCGAATGAGAAGGGCACACAGTGGGCATCCAGG-3'